The following is an entry in ClinVar:

NM_182493.3(MYLK3):c.392C>T (p.Thr131Met)

Gene: MYLK3 (myosin light chain kinase 3; minus strand). Cytogenetic location: 16q11.2.
Variant type: single nucleotide variant.
Coding change: c.392C>T on transcript NM_182493.3 (MANE Select); coding-DNA position 392, C replaced by T.
Protein change: p.Thr131Met; replaces threonine 131 with methionine.
Molecular consequence: missense variant. On other transcripts: intron variant (1).
Genome position (GRCh38, 1-based): chr16:46,747,802, G>A on the plus strand (C>T on the coding strand, the complement: MYLK3 is on the minus strand). VCF-style: chr16-46747802-G-A. GRCh37 (hg19) VCF-style: chr16-46781714-G-A.
Other names: c.-113-7655C>T (NM_001308301.1); short protein forms T131M.
Identifiers: ClinVar variation 1438228 (VCV001438228.8), dbSNP rs565297078, ClinGen allele CA280241285.

ClinVar aggregate classification (germline): Uncertain significance (1 of 4 stars; one submission).

Allele frequency attached by ClinVar (database versions not stated): gnomAD exomes below 0.00001 and 0.00001; 1000 Genomes Project 30x 0.00016; 1000 Genomes Project 0.00020.
gnomAD v4.1: 9 of 1,614,222 alleles (0.00056%); highest among the groups gnomAD compares: East Asian, 0.0022%; no homozygotes.

Submission:

Labcorp Genetics (formerly Invitae), Labcorp
Classification: Uncertain significance. Last evaluated: 2024-06-04. Review status: criteria provided, single submitter. Criteria: Invitae Variant Classification Sherloc (09022015). Collection method: clinical testing. Allele origin: germline.
Comment: This sequence change replaces threonine, which is neutral and polar, with methionine, which is neutral and non-polar, at codon 131 of the MYLK3 protein (p.Thr131Met). This variant is present in population databases (rs565297078, gnomAD 0.0009%). This variant has not been reported in the literature in individuals affected with MYLK3-related conditions. ClinVar contains an entry for this variant (Variation ID: 1438228). Algorithms developed to predict the effect of missense changes on protein structure and function output the following: SIFT: "Not Available"; PolyPhen-2: "Benign"; Align-GVGD: "Not Available". The methionine amino acid residue is found in multiple mammalian species, which suggests that this missense change does not adversely affect protein function. In summary, the available evidence is currently insufficient to determine the role of this variant in disease. Therefore, it has been classified as a Variant of Uncertain Significance.